The following is an entry in ClinVar:

NM_130839.5(UBE3A):c.317_318del (p.Cys105_Ser106insTer)

Genes: SNHG14 (small nucleolar RNA host gene 14; plus strand), UBE3A (ubiquitin protein ligase E3A; minus strand). Cytogenetic location: 15q11.2.
Variant type: Microsatellite.
Coding change: c.317_318del on transcript NM_130839.5 (MANE Select); coding-DNA positions 317 to 318, 2 bases deleted (CT; older notation c.317_318delCT).
Protein change: p.Cys105_Ser106insTer.
Molecular consequence: nonsense. On other transcripts: frameshift variant (2), non-coding transcript variant (1).
Genome position (GRCh38, 1-based): chr15:25,375,508-25,375,509, AG deleted on the plus strand (CT on the coding strand, the reverse complement: UBE3A is on the minus strand); deleting any 2 consecutive bases within chr15:25,375,508-25,375,511 gives the same sequence; the c. name uses the placement nearest the transcript's 3' end. VCF-style (leftmost placement, unchanged base first): chr15-25375507-CAG-C. GRCh37 (hg19) VCF-style: chr15-25620654-CAG-C.
Other names: c.257_258del, p.Cys85_Ser86insTer (NM_001354542.2, NM_001354543.2, NM_001354544.2 and 18 more transcripts); c.317_318del, p.Cys105_Ser106insTer (NM_001354545.2, NM_001354550.2, NM_001354505.1 and 1 more transcripts); c.140_141del, p.Cys46_Ser47insTer (NM_001354546.2); c.255_256CT[1], p.Ser86Terfs (NM_130838.1); c.257_258delCT (NM_130838.1); c.326_327del, p.Cys108_Ser109insTer (NM_000462.5).
Identifiers: ClinVar variation 4996008 (VCV004996008.1).

ClinVar aggregate classification (germline): Likely pathogenic (1 of 4 stars; one submission).

Conditions:
UBE3A-related disorder. Also called: UBE3A-related condition.

Submission:

PreventionGenetics, part of Exact Sciences
Classification: Likely pathogenic for UBE3A-related condition. Last evaluated: 2026-01-09. Review status: criteria provided, single submitter. Criteria: ACMG Guidelines, 2015. Collection method: clinical testing. Allele origin: germline.
Comment: The UBE3A c.257_258delCT variant is predicted to result in premature protein termination (p.Ser86*). To our knowledge, this variant has not been reported in the literature or in a large population database (gnomAD), indicating this variant is rare. Truncating variants in UBE3A are expected to be pathogenic. This variant is interpreted as likely pathogenic.